The following is an entry in ClinVar:

NM_030777.4(SLC2A10):c.1411+2T>A

Gene: SLC2A10 (solute carrier family 2 member 10; plus strand). Cytogenetic location: 20q13.12.
Variant type: single nucleotide variant.
Coding change: c.1411+2T>A on transcript NM_030777.4 (MANE Select); the canonical splice donor site of the intron after coding-DNA position 1411, T replaced by A.
Molecular consequence: splice donor variant.
Genome position (GRCh38, 1-based): chr20:46,726,988, T>A. VCF-style: chr20-46726988-T-A. GRCh37 (hg19) VCF-style: chr20-45355627-T-A.
Identifiers: ClinVar variation 213751 (VCV000213751.15), dbSNP rs761721442, ClinGen allele CA322146.
Genomic context (GRCh38, chr20:46,726,988, plus strand): 5'-CAACAGCTTCAACTGGGCGGCCAACCTCTTCATCAGCCTCTCCTTCCTCGATCTCATTGG[T>A]GAGTCCTTCCCAGACAAGTCCGTTTTTTTTCTGTGGCCCAAGCTCCCTACTCTAAAGCAG-3'

ClinVar aggregate classification (germline): Pathogenic/Likely pathogenic. Review status: criteria provided, multiple submitters, no conflicts (2 of 4 stars). 5 submissions from 5 submitters: Pathogenic (1); Likely pathogenic (4). Last evaluated 2026-10-13.

Conditions:
Arterial tortuosity syndrome (ATORS). Identifiers: Orphanet 3342, MedGen C1859726, MONDO:0008818, OMIM 208050.

Allele frequency attached by ClinVar (database versions not stated): gnomAD exomes 0.00001 and 0.00002; TOPMed 0.00006; ExAC 0.00003; gnomAD 0.00011.
gnomAD v4.1: 27 of 1,614,142 alleles (0.0017%); highest among the groups gnomAD compares: African/African-American, 0.032%; no homozygotes.

Submissions (6):

GeneDx
Classification: Likely pathogenic. Last evaluated: 2026-10-13. Review status: criteria provided, single submitter. Criteria: GeneDx Variant Classification Process June 2021. Collection method: clinical testing. Allele origin: germline.
Comment: Canonical splice site variant predicted to result in an in-frame loss of the adjacent exon in a gene for which loss of function is a known mechanism of disease; This variant is associated with the following publications: (PMID: 22488877, 40613586)

Labcorp Genetics (formerly Invitae), Labcorp
Classification: Likely pathogenic for Arterial tortuosity syndrome. Last evaluated: 2026-01-11. Review status: criteria provided, single submitter. Criteria: Invitae Variant Classification Sherloc (09022015). Collection method: clinical testing. Allele origin: germline.
Comment: This sequence change affects a donor splice site in intron 3 of the SLC2A10 gene. It is expected to disrupt RNA splicing. Variants that disrupt the donor or acceptor splice site typically lead to a loss of protein function (PMID: 16199547), and loss-of-function variants in SLC2A10 are known to be pathogenic (PMID: 17935213, 22488877, 23494979). This variant is present in population databases (rs761721442, gnomAD 0.04%). This variant has not been reported in the literature in individuals affected with SLC2A10-related conditions. ClinVar contains an entry for this variant (Variation ID: 213751). Algorithms developed to predict the effect of sequence changes on RNA splicing suggest that this variant may disrupt the consensus splice site. In summary, the currently available evidence indicates that the variant is pathogenic, but additional data are needed to prove that conclusively. Therefore, this variant has been classified as Likely Pathogenic.

Shaine Morris Lab, Baylor College of Medicine
Classification: Pathogenic for Arterial tortuosity syndrome. Last evaluated: 2025-03-05. Review status: criteria provided, single submitter. Criteria: ACMG Guidelines, 2015. Collection method: clinical testing. Allele origin: biparental. Inheritance: Autosomal recessive inheritance. Affected: yes. Observed: 1 homozygote.
Comment: We are submitting the c.1411+2T>A variant in the SLC2A10 gene, which affects the conserved splice donor site in intron 3 and is predicted to disrupt normal splicing. This variant has been previously described in ClinVar as likely pathogenic, and based on additional evidence, we are submitting it as pathogenic. Supporting Evidence for Classification: PVS1: The variant affects the +2 position of the canonical splice donor site, a highly conserved nucleotide essential for normal splicing. Disruption of this site is predicted to result in aberrant splicing and loss of normal protein function, consistent with a loss-of-function mechanism, which is a well-established disease mechanism for ATS. PP5: The variant has been previously reported in ClinVar as likely pathogenic. PM2: This variant is rare in the general population, with a minor allele frequency (MAF) of 7.52E-06 in gnomAD, consistent with disease-causing variants in SLC2A10. PM3: The presence of the variant in a homozygous state in an affected individual strengthens the evidence for its pathogenicity. Additionally, computational splicing prediction tools provide strong in silico evidence for pathogenicity: SpliceAI max delta score of 0.98, indicating a high probability of splicing disruption, supporting a loss-of-function effect. Conclusion: Based on the presence of the variant in a homozygous affected individual, strong evidence of splicing disruption (PVS1, SpliceAI 0.98), and previous ClinVar support, we classify c.1411+2T>A as pathogenic.

AiLife Diagnostics
Classification: Likely pathogenic. Last evaluated: 2021-12-27. Review status: criteria provided, single submitter. Criteria: ACMG Guidelines, 2015. Collection method: clinical testing. Allele origin: germline. Affected: yes. Observed: 2 variant alleles.

Revvity Omics, Revvity
Classification: Likely pathogenic for Arterial tortuosity syndrome. Last evaluated: 2020-06-12. Review status: criteria provided, single submitter. Criteria: ACMG Guidelines, 2015. Collection method: clinical testing. Allele origin: germline.

Dr. Peter K. Rogan Lab, Western University
No classification provided (evidence only). Condition: Thyroid cancer, nonmedullary, 1. Review status: no classification provided. Collection method: in vitro. Allele origin: not applicable. Functional consequence: skipped exon, retained intron. Not counted in ClinVar's aggregate classification.

Literature cited by the submitters: PubMed 16199547 (cited by Labcorp Genetics (formerly Invitae), Labcorp); PubMed 17935213 (cited by Labcorp Genetics (formerly Invitae), Labcorp); PubMed 22488877 (cited by Labcorp Genetics (formerly Invitae), Labcorp); PubMed 23494979 (cited by Labcorp Genetics (formerly Invitae), Labcorp); PubMed 29323665 (cited by Shaine Morris Lab, Baylor College of Medicine).